The following is an entry in ClinVar:

NM_020928.2(ZSWIM6):c.3467G>A (p.Arg1156Gln)

Gene: ZSWIM6 (zinc finger SWIM-type containing 6; plus strand). Cytogenetic location: 5q12.1.
Variant type: single nucleotide variant.
Coding change: c.3467G>A on transcript NM_020928.2 (MANE Select); coding-DNA position 3467, G replaced by A.
Protein change: p.Arg1156Gln; replaces arginine 1156 with glutamine.
Molecular consequence: missense variant.
Genome position (GRCh38, 1-based): chr5:61,544,136, G>A. VCF-style: chr5-61544136-G-A. GRCh37 (hg19) VCF-style: chr5-60839963-G-A.
Other names: short protein forms R1156Q.
Identifiers: ClinVar variation 1721402 (VCV001721402.5), dbSNP rs2478409635, ClinGen allele CA359947665.

ClinVar aggregate classification (germline): Uncertain significance (1 of 4 stars; one submission).

Allele frequency attached by ClinVar (database versions not stated): gnomAD exomes 0.00001.
gnomAD v4.1: 12 of 1,551,718 alleles (0.00077%); highest among the groups gnomAD compares: Non-Finnish European, 0.001%; no homozygotes.

Submission:

Labcorp Genetics (formerly Invitae), Labcorp
Classification: Uncertain significance. Last evaluated: 2022-10-10. Review status: criteria provided, single submitter. Criteria: Invitae Variant Classification Sherloc (09022015). Collection method: clinical testing. Allele origin: germline.
Comment: In summary, the available evidence is currently insufficient to determine the role of this variant in disease. Therefore, it has been classified as a Variant of Uncertain Significance. Advanced modeling of protein sequence and biophysical properties (such as structural, functional, and spatial information, amino acid conservation, physicochemical variation, residue mobility, and thermodynamic stability) performed at Invitae indicates that this missense variant is not expected to disrupt ZSWIM6 protein function. This variant has not been reported in the literature in individuals affected with ZSWIM6-related conditions. This variant is not present in population databases (gnomAD no frequency). This sequence change replaces arginine, which is basic and polar, with glutamine, which is neutral and polar, at codon 1156 of the ZSWIM6 protein (p.Arg1156Gln).